The following is an entry in ClinVar:

ClinVar aggregate classification (germline): Uncertain significance (1 of 4 stars; one submission).

Submission:

GeneDx
Classification: Uncertain significance. Last evaluated: 2024-01-26. Review status: criteria provided, single submitter. Criteria: GeneDx Variant Classification Process June 2021. Collection method: clinical testing. Allele origin: germline. Affected: yes.
Comment: Not observed at significant frequency in large population cohorts (gnomAD); In silico analysis supports that this missense variant has a deleterious effect on protein structure/function; Has not been previously published as pathogenic or benign to our knowledge

NM_000322.5(PRPH2):c.671A>C (p.Gln224Pro)

Gene: PRPH2 (peripherin 2; minus strand). Cytogenetic location: 6p21.1.
Variant type: single nucleotide variant.
Coding change: c.671A>C on transcript NM_000322.5 (MANE Select); coding-DNA position 671, A replaced by C.
Protein change: p.Gln224Pro; replaces glutamine 224 with proline.
Molecular consequence: missense variant.
Genome position (GRCh38, 1-based): chr6:42,704,522, T>G on the plus strand (A>C on the coding strand, the complement: PRPH2 is on the minus strand). VCF-style: chr6-42704522-T-G. GRCh37 (hg19) VCF-style: chr6-42672260-T-G.
Other names: short protein forms Q224P.
Identifiers: ClinVar variation 3368438 (VCV003368438.1).